The following is an entry in ClinVar:

ClinVar aggregate classification (germline): Pathogenic (1 of 4 stars; one submission).

Conditions:
Familial adenomatous polyposis 1 (FAP1). Also called: FAMILIAL ADENOMATOUS POLYPOSIS 1, ATTENUATED; POLYPOSIS, ADENOMATOUS INTESTINAL. Identifiers: MedGen C2713442, MONDO:0021056, OMIM 175100. Disease mechanism: loss of function.

Submission:

Labcorp Genetics (formerly Invitae), Labcorp
Classification: Pathogenic for Familial adenomatous polyposis 1. Last evaluated: 2020-12-07. Review status: criteria provided, single submitter. Criteria: Invitae Variant Classification Sherloc (09022015). Collection method: clinical testing. Allele origin: germline.
Comment: This variant has not been reported in the literature in individuals with APC-related conditions. This sequence change creates a premature translational stop signal (p.Thr675*) in the APC gene. While this is not anticipated to result in nonsense mediated decay, it is expected to disrupt the last 2169 amino acid(s) of the APC protein. This variant is not present in population databases (ExAC no frequency). This variant is expected to disrupt the EB1 and HDLG binding sites, which mediate interactions with the cytoskeleton (PMID: 15311282, 17293347). While functional studies have not been performed to directly test the effect on APC protein function, this suggests that disruption of the C-terminal portion of the protein is functionally important. A different truncation (p.Tyr2645Lysfs*14) that lies downstream of this variant has been determined to be pathogenic (PMID: 9824584, 1316610, 27081525, 8381579, 22135120, Invitae). This suggests that deletion of this region of the APC protein is causative of disease. For these reasons, this variant has been classified as Pathogenic.

Literature cited by the submitters: PubMed 15311282; PubMed 17293347; PubMed 9824584; PubMed 1316610; PubMed 27081525; PubMed 8381579; PubMed 22135120.

NM_000038.6(APC):c.2023_2033del (p.Leu674_Thr675insTer)

Gene: APC (APC regulator of Wnt signaling pathway; plus strand). Cytogenetic location: 5q22.2.
Variant type: Deletion.
Coding change: c.2023_2033del on transcript NM_000038.6 (MANE Select); coding-DNA positions 2023 to 2033, 11 bases deleted (ACAATAGTCAG).
Protein change: p.Leu674_Thr675insTer.
Molecular consequence: nonsense.
Genome position (GRCh38, 1-based): chr5:112,837,617-112,837,627, ACAATAGTCAG deleted; deleting any 11 consecutive bases within chr5:112,837,616-112,837,627 gives the same sequence; the c. name uses the placement nearest the transcript's 3' end. VCF-style (leftmost placement, unchanged base first): chr5-112837615-TGACAATAGTCA-T. GRCh37 (hg19) VCF-style: chr5-112173312-TGACAATAGTCA-T.
Other names: c.2023_2033del, p.Leu674_Thr675insTer (NM_001127510.3, NM_001354895.2); c.1969_1979del, p.Leu656_Thr657insTer (NM_001127511.3); c.2077_2087del, p.Leu692_Thr693insTer (NM_001354896.2); c.2053_2063del, p.Leu684_Thr685insTer (NM_001354897.2); c.1948_1958del, p.Leu649_Thr650insTer (NM_001354898.2); c.1939_1949del, p.Leu646_Thr647insTer (NM_001354899.2); c.1900_1910del, p.Leu633_Thr634insTer (NM_001354900.2); c.1846_1856del, p.Leu615_Thr616insTer (NM_001354901.2); and 5 more.
Identifiers: ClinVar variation 1412622 (VCV001412622.7), dbSNP rs2149858965, ClinGen allele CA2573138918.